The following is an entry in ClinVar:

ClinVar aggregate classification (germline): Benign/Likely benign. Review status: criteria provided, multiple submitters, no conflicts (2 of 4 stars). 8 submissions from 8 submitters: Benign (2); Likely benign (6). Last evaluated 2026-07-01.

Conditions:
Hereditary sensory neuropathy-deafness-dementia syndrome. Also called: Hereditary sensory neuropathy type IE; NEUROPATHY, HEREDITARY SENSORY, WITH HEARING LOSS AND DEMENTIA; Hereditary Sensory and Autonomic Neuropathy Type 1E (HSAN1E); HSN IE. Identifiers: Orphanet 456318, MedGen C3279885, MONDO:0013584, OMIM 614116.

Allele frequency attached by ClinVar (database versions not stated): 1000 Genomes Project 0.00020; 1000 Genomes Project 30x 0.00031; ExAC 0.00036; gnomAD exomes 0.00040; ESP Exome Variant Server 0.00054; TOPMed 0.00059; gnomAD 0.00063 and 0.00067.
gnomAD v4.1: 1,077 of 1,613,976 alleles (0.067%); highest among the groups gnomAD compares: Non-Finnish European, 0.085%; no homozygotes.

Submissions (8):

CeGaT Center for Human Genetics Tuebingen
Classification: Likely benign. Last evaluated: 2026-07-01. Review status: criteria provided, single submitter. Criteria: CeGaT Center For Human Genetics Tuebingen Variant Classification Criteria Version 2. Collection method: clinical testing. Allele origin: germline. Affected: yes. Observed: 14 variant alleles.
Comment: DNMT1: BP4, BP7

Labcorp Genetics (formerly Invitae), Labcorp
Classification: Likely benign for Hereditary sensory neuropathy-deafness-dementia syndrome. Last evaluated: 2026-02-03. Review status: criteria provided, single submitter. Criteria: Invitae Variant Classification Sherloc (09022015). Collection method: clinical testing. Allele origin: germline.

Mayo Clinic Laboratories, Mayo Clinic
Classification: Likely benign. Last evaluated: 2025-06-26. Review status: criteria provided, single submitter. Criteria: ACMG Guidelines, 2015. Collection method: clinical testing. Allele origin: germline. Observed: 6 variant alleles.
Comment: BS2, BP4, BP7

ARUP Laboratories, Molecular Genetics and Genomics, ARUP Laboratories
Classification: Likely benign. Last evaluated: 2025-06-20. Review status: criteria provided, single submitter. Criteria: ARUP Molecular Germline Variant Investigation Process 2024. Collection method: clinical testing. Allele origin: germline.

Blueprint Genetics
Classification: Likely benign. Last evaluated: 2024-11-07. Review status: criteria provided, single submitter. Criteria: ACMG Guidelines, 2015. Collection method: clinical testing. Allele origin: germline.

GeneDx
Classification: Benign. Last evaluated: 2020-02-05. Review status: criteria provided, single submitter. Criteria: GeneDx Variant Classification Process June 2021. Collection method: clinical testing. Allele origin: germline. Affected: yes.

Illumina Laboratory Services, Illumina
Classification: Benign for Hereditary sensory neuropathy-deafness-dementia syndrome. Last evaluated: 2018-01-13. Review status: criteria provided, single submitter. Criteria: ICSL Variant Classification Criteria 13 December 2019. Collection method: clinical testing. Allele origin: germline.
Comment: This variant was observed in the ICSL laboratory as part of a predisposition screen in an ostensibly healthy population. It had not been previously curated by ICSL or reported in the Human Gene Mutation Database (HGMD: prior to June 1st, 2018), and was therefore a candidate for classification through an automated scoring system. Utilizing variant allele frequency, disease prevalence and penetrance estimates, and inheritance mode, an automated score was calculated to assess if this variant is too frequent to cause the disease. Based on the score and internal cut-off values, a variant classified as benign is not then subjected to further curation. The score for this variant resulted in a classification of benign for this disease.

Eurofins Ntd Llc (ga)
Classification: Likely benign. Last evaluated: 2017-05-01. Review status: criteria provided, single submitter. Criteria: EGL Classification Definitions 2015. Collection method: clinical testing. Allele origin: germline. Observed: 1 variant allele, 1 heterozygote.

NM_001130823.3(DNMT1):c.2472G>A (p.Thr824=)

Gene: DNMT1 (DNA methyltransferase 1; minus strand). Cytogenetic location: 19p13.2.
Variant type: single nucleotide variant.
Coding change: c.2472G>A on transcript NM_001130823.3 (MANE Select); coding-DNA position 2472, G replaced by A.
Protein change: p.Thr824=; no amino-acid change (threonine 824 retained).
Molecular consequence: synonymous variant.
Genome position (GRCh38, 1-based): chr19:10,149,567, C>T on the plus strand (G>A on the coding strand, the complement: DNMT1 is on the minus strand). VCF-style: chr19-10149567-C-T. GRCh37 (hg19) VCF-style: chr19-10260243-C-T.
Other names: p.Thr824=; c.2472G>A (LRG_362t1); c.2424G>A, p.Thr808= (NM_001318730.2, NM_001379.4); c.2109G>A, p.Thr703= (NM_001318731.2).
Identifiers: ClinVar variation 327900 (VCV000327900.60), dbSNP rs45484792, ClinGen allele CA9188036.